The following is an entry in ClinVar:

ClinVar aggregate classification (germline): Uncertain significance (1 of 4 stars; one submission).

Submission:

Labcorp Genetics (formerly Invitae), Labcorp
Classification: Uncertain significance. Last evaluated: 2026-01-26. Review status: criteria provided, single submitter. Criteria: Invitae Variant Classification Sherloc (09022015). Collection method: clinical testing. Allele origin: germline.
Comment: This sequence change replaces proline, which is neutral and non-polar, with leucine, which is neutral and non-polar, at codon 27 of the FOXI3 protein (p.Pro27Leu). The frequency data for this variant in the population databases is considered unreliable, as metrics indicate insufficient coverage at this position in the gnomAD database. This variant has not been reported in the literature in individuals affected with FOXI3-related conditions. ClinVar contains an entry for this variant (Variation ID: 2792898). Experimental studies and prediction algorithms are not available or were not evaluated, and the functional significance of this variant is currently unknown. In summary, the available evidence is currently insufficient to determine the role of this variant in disease. Therefore, it has been classified as a Variant of Uncertain Significance.

NM_001135649.3(FOXI3):c.80C>T (p.Pro27Leu)

Gene: FOXI3 (forkhead box I3; minus strand). Cytogenetic location: 2p11.2.
Variant type: single nucleotide variant.
Coding change: c.80C>T on transcript NM_001135649.3 (MANE Select); coding-DNA position 80, C replaced by T.
Protein change: p.Pro27Leu; replaces proline 27 with leucine.
Molecular consequence: missense variant.
Genome position (GRCh38, 1-based): chr2:88,452,456, G>A on the plus strand (C>T on the coding strand, the complement: FOXI3 is on the minus strand). VCF-style: chr2-88452456-G-A. GRCh37 (hg19) VCF-style: chr2-88751974-G-A.
Other names: short protein forms P27L.
Identifiers: ClinVar variation 2792898 (VCV002792898.3), dbSNP rs2528917946, ClinGen allele CA347767094.